The following is an entry in ClinVar:

ClinVar aggregate classification (germline): Likely benign. Review status: criteria provided, multiple submitters, no conflicts (2 of 4 stars). 2 submissions from 2 submitters: Likely benign (2). Last evaluated 2025-04-09.

Conditions:
Tuberous sclerosis syndrome (TSC). Also called: Tuberous Sclerosis Complex; Tuberous sclerosis. Identifiers: Orphanet 805, MedGen C0041341, MONDO:0001734.
Tuberous sclerosis 2 (TSC2). Identifiers: Orphanet 805, MedGen C1860707, MONDO:0013199, OMIM 613254.

gnomAD v4.1: 1 of 1,596,684 alleles (0.000063%); highest among the groups gnomAD compares: Non-Finnish European, 0.000086%; no homozygotes.

Submissions (2):

Labcorp Genetics (formerly Invitae), Labcorp
Classification: Likely benign for Tuberous sclerosis 2. Last evaluated: 2025-04-09. Review status: criteria provided, single submitter. Criteria: Invitae Variant Classification Sherloc (09022015). Collection method: clinical testing. Allele origin: germline.

All of Us Research Program, National Institutes of Health
Classification: Likely benign for Tuberous sclerosis syndrome. Last evaluated: 2023-11-20. Review status: criteria provided, single submitter. Criteria: ACMG Guidelines, 2015. Collection method: clinical testing. Allele origin: germline. Inheritance: Autosomal dominant inheritance. Observed: 1 variant allele, 1 heterozygote.
Comment: This study involves interpretation of variants in research participants for the purpose of population health screening. Participant phenotype was not available at the time of variant classification. Additional details can be found in publication PMID: 35346344, PMCID: PMC8962531

NM_000548.5(TSC2):c.4524C>T (p.Pro1508=)

Gene: TSC2 (TSC complex subunit 2; plus strand). Cytogenetic location: 16p13.3.
Variant type: single nucleotide variant.
Coding change: c.4524C>T on transcript NM_000548.5 (MANE Select); coding-DNA position 4524, C replaced by T.
Protein change: p.Pro1508=; no amino-acid change (proline 1508 retained).
Molecular consequence: synonymous variant.
Genome position (GRCh38, 1-based): chr16:2,084,981, C>T. VCF-style: chr16-2084981-C-T. GRCh37 (hg19) VCF-style: chr16-2134982-C-T.
Other names: c.4323C>T, p.Pro1441= (NM_001077183.3); c.4455C>T, p.Pro1485= (NM_001114382.3); c.4215C>T, p.Pro1405= (NM_001318827.2); c.4179C>T, p.Pro1393= (NM_001318829.2); c.3792C>T, p.Pro1264= (NM_001318831.2); c.4356C>T, p.Pro1452= (NM_001318832.2); c.4326C>T, p.Pro1442= (NM_001363528.2); c.4392C>T, p.Pro1464= (NM_001370404.1); and 1 more.
Identifiers: ClinVar variation 1104068 (VCV001104068.10), dbSNP rs1596422510, ClinGen allele CA493043402.